The following is an entry in ClinVar:

NM_001267550.2(TTN):c.102610G>A (p.Asp34204Asn)

Genes: TTN (titin; minus strand), TTN-AS1 (TTN antisense RNA 1; plus strand). Cytogenetic location: 2q31.2.
Variant type: single nucleotide variant.
Coding change: c.102610G>A on transcript NM_001267550.2 (MANE Select); coding-DNA position 102610, G replaced by A.
Protein change: p.Asp34204Asn; replaces aspartic acid 34204 with asparagine.
Molecular consequence: missense variant.
Genome position (GRCh38, 1-based): chr2:178,534,005, C>T on the plus strand (G>A on the coding strand, the complement: TTN is on the minus strand). VCF-style: chr2-178534005-C-T. GRCh37 (hg19) VCF-style: chr2-179398732-C-T.
Other names: c.97687G>A, p.Asp32563Asn (NM_001256850.1); c.75415G>A, p.Asp25139Asn (NM_003319.4); c.94906G>A, p.Asp31636Asn (NM_133378.4); c.75790G>A, p.Asp25264Asn (NM_133432.3); c.75991G>A, p.Asp25331Asn (NM_133437.4); short protein forms D25139N, D31636N, D34204N, D25264N, D32563N, D25331N.
Identifiers: ClinVar variation 2144035 (VCV002144035.3), dbSNP rs778105940, ClinGen allele CA1985729.

ClinVar aggregate classification (germline): Uncertain significance (1 of 4 stars; one submission).

Conditions:
Dilated cardiomyopathy 1G (CMD1G). Identifiers: Orphanet 154, MedGen C1858763, MONDO:0011400, OMIM 604145.
Autosomal recessive limb-girdle muscular dystrophy type 2J (LGMDR10). Also called: Limb-girdle muscular dystrophy, type 2J; MUSCULAR DYSTROPHY, LIMB-GIRDLE, AUTOSOMAL RECESSIVE 10. Identifiers: Orphanet 140922, MedGen C1837342, MONDO:0012127, OMIM 608807.

Allele frequency attached by ClinVar (database versions not stated): gnomAD exomes below 0.00001; TOPMed below 0.00001; ExAC 0.00001.
gnomAD v4.1: 2 of 1,613,992 alleles (0.00012%); highest among the groups gnomAD compares: Admixed American, 0.0033%; no homozygotes.

Submission:

Labcorp Genetics (formerly Invitae), Labcorp
Classification: Uncertain significance for Dilated cardiomyopathy 1G; Autosomal recessive limb-girdle muscular dystrophy type 2J. Last evaluated: 2025-02-12. Review status: criteria provided, single submitter. Criteria: Invitae Variant Classification Sherloc (09022015). Collection method: clinical testing. Allele origin: germline.
Comment: This sequence change replaces aspartic acid, which is acidic and polar, with asparagine, which is neutral and polar, at codon 34204 of the TTN protein (p.Asp34204Asn). This variant is present in population databases (rs778105940, gnomAD 0.006%). This variant has not been reported in the literature in individuals affected with TTN-related conditions. ClinVar contains an entry for this variant (Variation ID: 2144035). Experimental studies and prediction algorithms are not available or were not evaluated, and the functional significance of this variant is currently unknown. This variant is located in the M band of TTN (PMID: 25589632). Non-truncating variants in this region may be relevant for neuromuscular disorders, but have not been definitively shown to cause cardiomyopathy (PMID: 23975875). In summary, the available evidence is currently insufficient to determine the role of this variant in disease. Therefore, it has been classified as a Variant of Uncertain Significance.

Literature cited by the submitters: PubMed 25589632; PubMed 23975875.